The following is an entry in ClinVar:

NM_001197104.2(KMT2A):c.432+6G>A

Gene: KMT2A (lysine methyltransferase 2A; plus strand). Cytogenetic location: 11q23.3.
Variant type: single nucleotide variant.
Coding change: c.432+6G>A on transcript NM_001197104.2 (MANE Select); 6 bases into the intron after coding-DNA position 432, G replaced by A.
Molecular consequence: intron variant.
Genome position (GRCh38, 1-based): chr11:118,436,950, G>A. VCF-style: chr11-118436950-G-A. GRCh37 (hg19) VCF-style: chr11-118307665-G-A.
Other names: c.432+6G>A (NM_001412597.1, NM_005933.4).
Identifiers: ClinVar variation 4703953 (VCV004703953.1).

ClinVar aggregate classification (germline): Uncertain significance (1 of 4 stars; one submission).

gnomAD v4.1: 5 of 1,487,940 alleles (0.00034%); highest among the groups gnomAD compares: Non-Finnish European, 0.00045%; no homozygotes.

Submission:

Labcorp Genetics (formerly Invitae), Labcorp
Classification: Uncertain significance. Last evaluated: 2025-06-29. Review status: criteria provided, single submitter. Criteria: Invitae Variant Classification Sherloc (09022015). Collection method: clinical testing. Allele origin: germline.
Comment: This sequence change falls in intron 1 of the KMT2A gene. It does not directly change the encoded amino acid sequence of the KMT2A protein. It affects a nucleotide within the consensus splice site. This variant is present in population databases (no rsID available, gnomAD 0.002%). This variant has not been reported in the literature in individuals affected with KMT2A-related conditions. Variants that disrupt the consensus splice site are a relatively common cause of aberrant splicing (PMID: 17576681, 9536098). Algorithms developed to predict the effect of sequence changes on RNA splicing suggest that this variant is not likely to affect RNA splicing. In summary, the available evidence is currently insufficient to determine the role of this variant in disease. Therefore, it has been classified as a Variant of Uncertain Significance.

Literature cited by the submitters: PubMed 17576681; PubMed 9536098.